The following is an entry in ClinVar:

ClinVar aggregate classification (germline): Uncertain significance (1 of 4 stars; one submission).

Allele frequency attached by ClinVar (database versions not stated): gnomAD exomes below 0.00001.
gnomAD v4.1: 1 of 1,210,344 alleles (0.000083%); highest among the groups gnomAD compares: Middle Eastern, 0.023%; no homozygotes.

Submission:

Labcorp Genetics (formerly Invitae), Labcorp
Classification: Uncertain significance. Last evaluated: 2024-01-22. Review status: criteria provided, single submitter. Criteria: Invitae Variant Classification Sherloc (09022015). Collection method: clinical testing. Allele origin: germline.
Comment: This sequence change replaces isoleucine, which is neutral and non-polar, with methionine, which is neutral and non-polar, at codon 241 of the XK protein (p.Ile241Met). This variant is not present in population databases (gnomAD no frequency). This variant has not been reported in the literature in individuals affected with XK-related conditions. ClinVar contains an entry for this variant (Variation ID: 2118538). Advanced modeling of protein sequence and biophysical properties (such as structural, functional, and spatial information, amino acid conservation, physicochemical variation, residue mobility, and thermodynamic stability) performed at Invitae indicates that this missense variant is not expected to disrupt XK protein function with a negative predictive value of 80%. In summary, the available evidence is currently insufficient to determine the role of this variant in disease. Therefore, it has been classified as a Variant of Uncertain Significance.

NM_021083.4(XK):c.723A>G (p.Ile241Met)

Gene: XK (X-linked Kx blood group antigen, Kell and VPS13A binding protein; plus strand). Cytogenetic location: Xp21.1.
Variant type: single nucleotide variant.
Coding change: c.723A>G on transcript NM_021083.4 (MANE Select); coding-DNA position 723, A replaced by G.
Protein change: p.Ile241Met; replaces isoleucine 241 with methionine.
Molecular consequence: missense variant.
Genome position (GRCh38, 1-based): chrX:37,727,850, A>G. VCF-style: chrX-37727850-A-G. GRCh37 (hg19) VCF-style: chrX-37587103-A-G.
Other names: short protein forms I241M.
Identifiers: ClinVar variation 2118538 (VCV002118538.4), dbSNP rs2519163439, ClinGen allele CA412974182.